The following is an entry in ClinVar:

NM_018109.4(MTPAP):c.562G>A (p.Asp188Asn)

Gene: MTPAP (mitochondrial poly(A) polymerase; minus strand). Cytogenetic location: 10p11.23.
Variant type: single nucleotide variant.
Coding change: c.562G>A on transcript NM_018109.4 (MANE Select); coding-DNA position 562, G replaced by A.
Protein change: p.Asp188Asn; replaces aspartic acid 188 with asparagine.
Molecular consequence: missense variant.
Genome position (GRCh38, 1-based): chr10:30,337,021, C>T on the plus strand (G>A on the coding strand, the complement: MTPAP is on the minus strand). VCF-style: chr10-30337021-C-T. GRCh37 (hg19) VCF-style: chr10-30625950-C-T.
Other names: short protein forms D188N.
Identifiers: ClinVar variation 1967059 (VCV001967059.5), dbSNP rs1163288473, ClinGen allele CA376426647.

ClinVar aggregate classification (germline): Uncertain significance (1 of 4 stars; one submission).

Allele frequency attached by ClinVar (database versions not stated): TOPMed below 0.00001; gnomAD 0.00001.
gnomAD v4.1: 6 of 1,612,088 alleles (0.00037%); highest among the groups gnomAD compares: East Asian, 0.0022%; no homozygotes.

Submission:

Labcorp Genetics (formerly Invitae), Labcorp
Classification: Uncertain significance. Last evaluated: 2021-12-24. Review status: criteria provided, single submitter. Criteria: Invitae Variant Classification Sherloc (09022015). Collection method: clinical testing. Allele origin: germline.
Comment: In summary, the available evidence is currently insufficient to determine the role of this variant in disease. Therefore, it has been classified as a Variant of Uncertain Significance. Algorithms developed to predict the effect of missense changes on protein structure and function (SIFT, PolyPhen-2, Align-GVGD) all suggest that this variant is likely to be tolerated. This variant has not been reported in the literature in individuals affected with MTPAP-related conditions. This variant is not present in population databases (gnomAD no frequency). This sequence change replaces aspartic acid, which is acidic and polar, with asparagine, which is neutral and polar, at codon 188 of the MTPAP protein (p.Asp188Asn).